The following is an entry in ClinVar:

NM_003506.4(FZD6):c.1809C>T (p.Asp603=)

Gene: FZD6 (frizzled class receptor 6; plus strand). Cytogenetic location: 8q22.3.
Variant type: single nucleotide variant.
Coding change: c.1809C>T on transcript NM_003506.4 (MANE Select); coding-DNA position 1809, C replaced by T.
Protein change: p.Asp603=; no amino-acid change (aspartic acid 603 retained).
Molecular consequence: synonymous variant. On other transcripts: non-coding transcript variant (1).
Genome position (GRCh38, 1-based): chr8:103,329,922, C>T. VCF-style: chr8-103329922-C-T. GRCh37 (hg19) VCF-style: chr8-104342150-C-T.
Other names: c.1809C>T, p.Asp603= (NM_001164615.2); c.1713C>T, p.Asp571= (NM_001164616.2); c.894C>T, p.Asp298= (NM_001317796.2).
Identifiers: ClinVar variation 3051907 (VCV003051907.2), dbSNP rs201910779, ClinGen allele CA4835013.

ClinVar aggregate classification (germline): Likely benign (0 of 4 stars; one submission).

Conditions:
FZD6-related disorder. Also called: FZD6-related condition.

Allele frequency attached by ClinVar (database versions not stated): gnomAD 0.00008; TOPMed 0.00008; gnomAD exomes 0.00010; ExAC 0.00015.
gnomAD v4.1: 157 of 1,614,010 alleles (0.0097%); highest among the groups gnomAD compares: Middle Eastern, 0.016%; no homozygotes.

Submission:

PreventionGenetics, part of Exact Sciences
Classification: Likely benign for FZD6-related condition. Last evaluated: 2020-01-27. Review status: no assertion criteria provided. Collection method: clinical testing. Allele origin: germline.
Comment: This variant is classified as likely benign based on ACMG/AMP sequence variant interpretation guidelines (Richards et al. 2015 PMID: 25741868, with internal and published modifications).